The following is an entry in ClinVar:

ClinVar aggregate classification (germline): Benign. Review status: criteria provided, single submitter (1 of 4 stars). 2 submissions from 1 submitter: Benign (1). 1 of the submissions does not count toward it. Last evaluated 2015-03-03.

Submissions (2):

GeneDx
Classification: Benign. Last evaluated: 2015-03-03. Review status: criteria provided, single submitter. Criteria: GeneDx Variant Classification Process June 2021. Collection method: clinical testing. Allele origin: germline. Affected: yes.

GeneDx
Classification: Benign. Last evaluated: 2014-01-29. Review status: flagged submission. Criteria: GeneDx Variant Classification (06012015). Collection method: clinical testing. Allele origin: germline. Affected: yes. Not counted in ClinVar's aggregate classification.
Comment: The variant is found in EPILEPSY panel(s).
ClinVar note: Reason: This record appears to be redundant with a more recent record from the same submitter.
ClinVar note: Notes: SCV000241432 appears to be redundant with SCV001940554.

NM_172107.4(KCNQ2):c.1302-18_1302-17insTCTGTCTT

Gene: KCNQ2 (potassium voltage-gated channel subfamily Q member 2; minus strand). Cytogenetic location: 20q13.33.
Variant type: Insertion.
Coding change: c.1302-18_1302-17insTCTGTCTT on transcript NM_172107.4 (MANE Select); 18 bases into the intron before coding-DNA position 1302 through 17 bases into the intron before coding-DNA position 1302, TCTGTCTT inserted.
Molecular consequence: intron variant.
Genome position: GRCh38 VCF-style: chr20-63415143-C-CGAAAGACA. GRCh37 (hg19) VCF-style: chr20-62046496-C-CGAAAGACA.
Other names: c.1218-18_1218-17insTCTGTCTT (NM_004518.6); c.1248-54_1248-53insTCTGTCTT (NM_172108.5); c.1248-18_1248-17insTCTGTCTT (NM_172106.3).
Identifiers: ClinVar variation 205846 (VCV000205846.3), dbSNP rs1555854853, ClinGen allele CA315308.